The following is an entry in ClinVar:

ClinVar aggregate classification (germline): Pathogenic (1 of 4 stars; one submission).

Conditions:
Hereditary insensitivity to pain with anhidrosis (CIPA). Also called: hereditary sensory and autonomic neuropathy type 4; FAMILIAL DYSAUTONOMIA, TYPE II; HSAN Type IV; INSENSITIVITY TO PAIN, CONGENITAL, WITH ANHIDROSIS; NTRK1 Congenital Insensitivity to Pain with Anhidrosis; NEUROPATHY, CONGENITAL SENSORY, WITH ANHIDROSIS. Identifiers: Orphanet 642, MedGen C0020074, MONDO:0009746, OMIM 256800.

Submission:

Labcorp Genetics (formerly Invitae), Labcorp
Classification: Pathogenic for Hereditary insensitivity to pain with anhidrosis. Last evaluated: 2023-03-08. Review status: criteria provided, single submitter. Criteria: Invitae Variant Classification Sherloc (09022015). Collection method: clinical testing. Allele origin: germline.
Comment: For these reasons, this variant has been classified as Pathogenic. ClinVar contains an entry for this variant (Variation ID: 862988). This variant has not been reported in the literature in individuals affected with NTRK1-related conditions. This variant is not present in population databases (gnomAD no frequency). This sequence change creates a premature translational stop signal (p.Gln77Profs*11) in the NTRK1 gene. It is expected to result in an absent or disrupted protein product. Loss-of-function variants in NTRK1 are known to be pathogenic (PMID: 10982191).

Literature cited by the submitters: PubMed 10982191.

NM_002529.4(NTRK1):c.226_229dup (p.Gln77fs)

Gene: NTRK1 (neurotrophic receptor tyrosine kinase 1; plus strand). Cytogenetic location: 1q23.1.
Variant type: Duplication.
Coding change: c.226_229dup on transcript NM_002529.4 (MANE Select); coding-DNA positions 226 to 229, 4 bases duplicated (CAGC; older notation c.226_229dupCAGC).
Protein change: p.Gln77fs; shifts the reading frame from glutamine 77.
Molecular consequence: frameshift variant.
Genome position (GRCh38, 1-based): chr1:156,864,367-156,864,370, CAGC duplicated; duplicating any 4 consecutive bases within chr1:156,864,366-156,864,370 gives the same sequence; the c. name uses the placement nearest the transcript's 3' end. VCF-style (leftmost placement, unchanged base first): chr1-156864365-A-ACCAG. GRCh37 (hg19) VCF-style: chr1-156834157-A-ACCAG.
Other names: c.136_139dup, p.Gln47fs (NM_001007792.1); c.226_229dup, p.Gln77fs (NM_001012331.2); short protein forms Q47fs, Q77fs.
Identifiers: ClinVar variation 862988 (VCV000862988.9), dbSNP rs1655824699, ClinGen allele CA916080238.